The following is an entry in ClinVar:

NM_005228.5(EGFR):c.908A>T (p.Asp303Val)

Gene: EGFR (epidermal growth factor receptor; plus strand). Cytogenetic location: 7p11.2.
Variant type: single nucleotide variant.
Coding change: c.908A>T on transcript NM_005228.5 (MANE Select); coding-DNA position 908, A replaced by T.
Protein change: p.Asp303Val; replaces aspartic acid 303 with valine.
Molecular consequence: missense variant.
Genome position (GRCh38, 1-based): chr7:55,155,848, A>T. VCF-style: chr7-55155848-A-T. GRCh37 (hg19) VCF-style: chr7-55223541-A-T.
Other names: c.773A>T, p.Asp258Val (NM_001346897.2, NM_001346899.2); c.908A>T, p.Asp303Val (NM_001346898.2, NM_201282.2, NM_201283.2 and 1 more transcripts); c.749A>T, p.Asp250Val (NM_001346900.2); c.107A>T, p.Asp36Val (NM_001346941.2); short protein forms D258V, D303V, D36V, D250V.
Identifiers: ClinVar variation 1437088 (VCV001437088.6), dbSNP rs1785383001, ClinGen allele CA367577953.

ClinVar aggregate classification (germline): Uncertain significance (1 of 4 stars; one submission).

Conditions:
EGFR-related lung cancer (EGFR). Identifiers: MedGen CN130014.

Allele frequency attached by ClinVar (database versions not stated): gnomAD 0.00001.
gnomAD v4.1: 2 of 1,613,862 alleles (0.00012%); highest among the groups gnomAD compares: Non-Finnish European, 0.00017%; no homozygotes.

Submission:

Labcorp Genetics (formerly Invitae), Labcorp
Classification: Uncertain significance for EGFR-related lung cancer. Last evaluated: 2021-09-07. Review status: criteria provided, single submitter. Criteria: Invitae Variant Classification Sherloc (09022015). Collection method: clinical testing. Allele origin: germline.
Comment: In summary, the available evidence is currently insufficient to determine the role of this variant in disease. Therefore, it has been classified as a Variant of Uncertain Significance. Algorithms developed to predict the effect of missense changes on protein structure and function (SIFT, PolyPhen-2, Align-GVGD) all suggest that this variant is likely to be disruptive. This variant has not been reported in the literature in individuals affected with EGFR-related conditions. This variant is not present in population databases (ExAC no frequency). This sequence change replaces aspartic acid with valine at codon 303 of the EGFR protein (p.Asp303Val). The aspartic acid residue is highly conserved and there is a large physicochemical difference between aspartic acid and valine.